The following is an entry in ClinVar:

NM_181523.3(PIK3R1):c.386C>T (p.Pro129Leu)

Gene: PIK3R1 (phosphoinositide-3-kinase regulatory subunit 1; plus strand). Cytogenetic location: 5q13.1.
Variant type: single nucleotide variant.
Coding change: c.386C>T on transcript NM_181523.3 (MANE Select); coding-DNA position 386, C replaced by T.
Protein change: p.Pro129Leu; replaces proline 129 with leucine.
Molecular consequence: missense variant.
Genome position (GRCh38, 1-based): chr5:68,273,441, C>T. VCF-style: chr5-68273441-C-T. GRCh37 (hg19) VCF-style: chr5-67569269-C-T.
Other names: short protein forms P129L.
Identifiers: ClinVar variation 2003051 (VCV002003051.4), dbSNP rs1225327486, ClinGen allele CA16040221.

ClinVar aggregate classification (germline): Uncertain significance (1 of 4 stars; one submission).

Conditions:
SHORT syndrome. Also called: SHORT STATURE, HYPEREXTENSIBILITY, HERNIA, OCULAR DEPRESSION, RIEGER ANOMALY, AND TEETHING DELAY; PIK3R1-Related SHORT Syndrome; LIPODYSTROPHY, PARTIAL, WITH RIEGER ANOMALY AND SHORT STATURE. Identifiers: Orphanet 3163, MedGen C0878684, MONDO:0010026, OMIM 269880.
Agammaglobulinemia 7, autosomal recessive (AGM7). Also called: AGAMMAGLOBULINEMIA, AUTOSOMAL RECESSIVE, DUE TO PIK3R1 DEFECT. Identifiers: MedGen C3554689, MONDO:0014083, OMIM 615214.
Immunodeficiency 36 with lymphoproliferation. Also called: ACTIVATED PI3K-DELTA SYNDROME 2; Immunodeficiency 36; Activated PI3K Delta Syndrome Type 2 (APDS2). Identifiers: Orphanet 397596, Orphanet 693681, MedGen C4014934, MONDO:0014453, OMIM 616005.

Allele frequency attached by ClinVar (database versions not stated): gnomAD 0.00001; TOPMed 0.00001.
gnomAD v4.1: 7 of 1,613,924 alleles (0.00043%); highest among the groups gnomAD compares: Admixed American, 0.0017%; no homozygotes.

Submission:

Labcorp Genetics (formerly Invitae), Labcorp
Classification: Uncertain significance for SHORT syndrome; Immunodeficiency 36 with lymphoproliferation; Agammaglobulinemia 7, autosomal recessive. Last evaluated: 2025-05-05. Review status: criteria provided, single submitter. Criteria: Invitae Variant Classification Sherloc (09022015). Collection method: clinical testing. Allele origin: germline.
Comment: This sequence change replaces proline, which is neutral and non-polar, with leucine, which is neutral and non-polar, at codon 129 of the PIK3R1 protein (p.Pro129Leu). This variant is present in population databases (no rsID available, gnomAD 0.003%). This variant has not been reported in the literature in individuals affected with PIK3R1-related conditions. ClinVar contains an entry for this variant (Variation ID: 2003051). An algorithm developed to predict the effect of missense changes on protein structure and function (PolyPhen-2) suggests that this variant is likely to be disruptive. In summary, the available evidence is currently insufficient to determine the role of this variant in disease. Therefore, it has been classified as a Variant of Uncertain Significance.